The following is an entry in ClinVar:

NM_001723.7(DST):c.7135G>A (p.Ala2379Thr)

Gene: DST (dystonin; minus strand). Cytogenetic location: 6p12.1.
Variant type: single nucleotide variant.
Coding change: c.7135G>A on transcript NM_001723.7 (MANE Plus Clinical); coding-DNA position 7135, G replaced by A.
Protein change: p.Ala2379Thr; replaces alanine 2379 with threonine.
Molecular consequence: missense variant. On other transcripts: intron variant (10).
Genome position (GRCh38, 1-based): chr6:56,616,332, C>T on the plus strand (G>A on the coding strand, the complement: DST is on the minus strand). VCF-style: chr6-56616332-C-T. GRCh37 (hg19) VCF-style: chr6-56481130-C-T.
Other names: c.4831-1848G>A (NM_001144769.5); c.4930-1848G>A (NM_001374722.1, NM_001374736.1); c.4957-1848G>A (NM_001374734.1); c.4417-1848G>A (NM_001144770.2); c.4297-1848G>A (NM_001374730.1, NM_001386100.1, NM_183380.4 and 1 more transcripts); c.3319-1848G>A (NM_015548.5); short protein forms A2379T.
Identifiers: ClinVar variation 474548 (VCV000474548.45), dbSNP rs140192373, ClinGen allele CA3870019.

ClinVar aggregate classification (germline): Likely benign. Review status: criteria provided, multiple submitters, no conflicts (2 of 4 stars). 10 submissions from 10 submitters: Likely benign (6). 4 of the submissions do not count toward it. Last evaluated 2026-02-02.

Conditions:
DST-related disorder. Also called: DST-related disorders; DST-related condition.
Epidermolysis bullosa simplex 3, localized or generalized intermediate, with BP230 deficiency (EBS3). Also called: Epidermolysis bullosa simplex due to BP230 deficiency; Epidermolysis bullosa simplex, autosomal recessive 2. Identifiers: Orphanet 412181, MedGen C3809470, MONDO:0014180, OMIM 615425.
Hereditary sensory and autonomic neuropathy type 6. Also called: Neuropathy, hereditary sensory and autonomic, type VI; HSAN VI. Identifiers: Orphanet 314381, MedGen C3539003, MONDO:0013839, OMIM 614653.

Allele frequency attached by ClinVar (database versions not stated): 1000 Genomes Project 30x 0.00078; 1000 Genomes Project 0.00080; ESP Exome Variant Server 0.00138; gnomAD 0.00138 and 0.00140; TOPMed 0.00160; ExAC 0.00197; gnomAD exomes 0.00217.
gnomAD v4.1: 2,432 of 1,613,714 alleles (0.15%); highest among the groups gnomAD compares: Middle Eastern, 0.82%; 4 homozygotes.

Submissions (10):

Labcorp Genetics (formerly Invitae), Labcorp
Classification: Likely benign for Epidermolysis bullosa simplex 3, localized or generalized intermediate, with BP230 deficiency; Hereditary sensory and autonomic neuropathy type 6. Last evaluated: 2026-02-02. Review status: criteria provided, single submitter. Criteria: Invitae Variant Classification Sherloc (09022015). Collection method: clinical testing. Allele origin: germline.

CeGaT Center for Human Genetics Tuebingen
Classification: Likely benign. Last evaluated: 2025-12-01. Review status: criteria provided, single submitter. Criteria: CeGaT Center For Human Genetics Tuebingen Variant Classification Criteria Version 2. Collection method: clinical testing. Allele origin: germline. Affected: yes. Observed: 5 variant alleles.
Comment: DST: BP4, BS1

Genomic Medicine Center of Excellence, King Faisal Specialist Hospital and Research Centre
Classification: Likely benign. Last evaluated: 2025-08-18. Review status: criteria provided, single submitter. Criteria: ACMG Guidelines, 2015. Collection method: clinical testing. Allele origin: germline.

Blueprint Genetics
Classification: Likely benign. Last evaluated: 2024-11-13. Review status: criteria provided, single submitter. Criteria: ACMG Guidelines, 2015. Collection method: clinical testing. Allele origin: germline.

GeneDx
Classification: Likely benign. Last evaluated: 2021-05-03. Review status: criteria provided, single submitter. Criteria: GeneDx Variant Classification Process June 2021. Collection method: clinical testing. Allele origin: germline. Affected: yes.

Breakthrough Genomics
Classification: Likely benign. Review status: criteria provided, single submitter. Criteria: ACMG Guidelines, 2015. Collection method: not provided. Allele origin: germline. Inheritance: Autosomal recessive inheritance. Affected: yes.

PreventionGenetics, part of Exact Sciences
Classification: Benign for DST-related condition. Last evaluated: 2019-11-08. Review status: no assertion criteria provided. Collection method: clinical testing. Allele origin: germline. Not counted in ClinVar's aggregate classification.
Comment: This variant is classified as benign based on ACMG/AMP sequence variant interpretation guidelines (Richards et al. 2015 PMID: 25741868, with internal and published modifications).

Clinical Genetics, Academic Medical Center
Classification: Likely benign. Review status: no assertion criteria provided. Collection method: clinical testing. Allele origin: germline. Affected: yes. Study: VKGL Data-share Consensus. Not counted in ClinVar's aggregate classification.

Genome Diagnostics Laboratory, University Medical Center Utrecht
Classification: Likely benign. Review status: no assertion criteria provided. Collection method: clinical testing. Allele origin: germline. Affected: yes. Study: VKGL Data-share Consensus. Not counted in ClinVar's aggregate classification.

Joint Genome Diagnostic Labs from Nijmegen and Maastricht, Radboudumc and MUMC+
Classification: Likely benign. Review status: no assertion criteria provided. Collection method: clinical testing. Allele origin: germline. Affected: yes. Study: VKGL Data-share Consensus. Not counted in ClinVar's aggregate classification.